The following is an entry in ClinVar:

NM_033305.3(VPS13A):c.3340-2A>C

Gene: VPS13A (vacuolar protein sorting 13 homolog A; plus strand). Cytogenetic location: 9q21.2.
Variant type: single nucleotide variant.
Coding change: c.3340-2A>C on transcript NM_033305.3 (MANE Select); the canonical splice acceptor site of the intron before coding-DNA position 3340, A replaced by C.
Molecular consequence: splice acceptor variant.
Genome position (GRCh38, 1-based): chr9:77,293,339, A>C. VCF-style: chr9-77293339-A-C. GRCh37 (hg19) VCF-style: chr9-79908255-A-C.
Other names: c.3223-2A>C (NM_001018037.2); c.3340-2A>C (NM_015186.4, NM_001018038.3).
Identifiers: ClinVar variation 2749248 (VCV002749248.3), dbSNP rs2537884766, ClinGen allele CA373848537.

ClinVar aggregate classification (germline): Likely pathogenic (1 of 4 stars; one submission).

Submission:

Labcorp Genetics (formerly Invitae), Labcorp
Classification: Likely pathogenic. Last evaluated: 2023-08-02. Review status: criteria provided, single submitter. Criteria: Invitae Variant Classification Sherloc (09022015). Collection method: clinical testing. Allele origin: germline.
Comment: This sequence change affects an acceptor splice site in intron 31 of the VPS13A gene. It is expected to disrupt RNA splicing. Variants that disrupt the donor or acceptor splice site typically lead to a loss of protein function (PMID: 16199547), and loss-of-function variants in VPS13A are known to be pathogenic (PMID: 12404112, 21598378). This variant is not present in population databases (gnomAD no frequency). This variant has not been reported in the literature in individuals affected with VPS13A-related conditions. Algorithms developed to predict the effect of sequence changes on RNA splicing suggest that this variant may disrupt the consensus splice site. In summary, the currently available evidence indicates that the variant is pathogenic, but additional data are needed to prove that conclusively. Therefore, this variant has been classified as Likely Pathogenic.

Literature cited by the submitters: PubMed 16199547; PubMed 12404112; PubMed 21598378.